The following is an entry in ClinVar:

ClinVar aggregate classification (germline): Conflicting classifications of pathogenicity. Review status: criteria provided, conflicting classifications (1 of 4 stars). 3 submissions from 3 submitters: Uncertain significance (1); Likely benign (1). 1 of the submissions does not count toward it. Last evaluated 2025-12-22.

Conditions:
NRIP1-related disorder. Also called: NRIP1-related condition.

Allele frequency attached by ClinVar (database versions not stated): ESP Exome Variant Server 0.00038.
gnomAD v4.1: 1,009 of 1,613,840 alleles (0.063%); highest among the groups gnomAD compares: Non-Finnish European, 0.078%; 4 homozygotes.

Submissions (3):

Labcorp Genetics (formerly Invitae), Labcorp
Classification: Uncertain significance. Last evaluated: 2025-12-22. Review status: criteria provided, single submitter. Criteria: Invitae Variant Classification Sherloc (09022015). Collection method: clinical testing. Allele origin: germline.
Comment: This sequence change replaces valine, which is neutral and non-polar, with phenylalanine, which is neutral and non-polar, at codon 1079 of the NRIP1 protein (p.Val1079Phe). This variant is present in population databases (rs140803495, gnomAD 0.07%), and has an allele count higher than expected for a pathogenic variant. This variant has not been reported in the literature in individuals affected with NRIP1-related conditions. ClinVar contains an entry for this variant (Variation ID: 2702752). An algorithm developed to predict the effect of missense changes on protein structure and function (PolyPhen-2) suggests that this variant is likely to be disruptive. In summary, the available evidence is currently insufficient to determine the role of this variant in disease. Therefore, it has been classified as a Variant of Uncertain Significance.

CeGaT Center for Human Genetics Tuebingen
Classification: Likely benign. Last evaluated: 2025-11-01. Review status: criteria provided, single submitter. Criteria: CeGaT Center For Human Genetics Tuebingen Variant Classification Criteria Version 2. Collection method: clinical testing. Allele origin: germline. Affected: yes. Observed: 1 variant allele.
Comment: NRIP1: BP4, BS2

PreventionGenetics, part of Exact Sciences
Classification: Likely benign for NRIP1-related condition. Last evaluated: 2023-04-05. Review status: no assertion criteria provided. Collection method: clinical testing. Allele origin: germline. Not counted in ClinVar's aggregate classification.
Comment: This variant is classified as likely benign based on ACMG/AMP sequence variant interpretation guidelines (Richards et al. 2015 PMID: 25741868, with internal and published modifications).

NM_003489.4(NRIP1):c.3235G>T (p.Val1079Phe)

Gene: NRIP1 (nuclear receptor interacting protein 1; minus strand). Cytogenetic location: 21q11.2.
Variant type: single nucleotide variant.
Coding change: c.3235G>T on transcript NM_003489.4 (MANE Select); coding-DNA position 3235, G replaced by T.
Protein change: p.Val1079Phe; replaces valine 1079 with phenylalanine.
Molecular consequence: missense variant.
Genome position (GRCh38, 1-based): chr21:14,964,958, C>A on the plus strand (G>T on the coding strand, the complement: NRIP1 is on the minus strand). VCF-style: chr21-14964958-C-A. GRCh37 (hg19) VCF-style: chr21-16337279-C-A.
Other names: c.3235G>T (NM_003489.3); short protein forms V1079F.
Identifiers: ClinVar variation 2702752 (VCV002702752.10), dbSNP rs140803495, ClinGen allele CA9981005.